The following is an entry in ClinVar:

ClinVar aggregate classification (germline): Likely pathogenic (0 of 4 stars; one submission).

Conditions:
Hearing loss, autosomal recessive. Also called: Rare autosomal recessive non-syndromic sensorineural deafness type DFNB; Deafness, autosomal recessive; Nonsyndromic Hearing Loss, Recessive; Autosomal recessive nonsyndromic deafness. Identifiers: Orphanet 90635, Orphanet 90636, MedGen C1846647, MONDO:0019588, OMIM 607197.

gnomAD v4.1: 2 of 1,612,552 alleles (0.00012%); no homozygotes.

Submission:

Laboratory of Molecular Genetics, Yakut Science Centre of Complex Medical Problems
Classification: Likely pathogenic for Autosomal recessive deafness. Last evaluated: 2017-06-23. Review status: no assertion criteria provided. Collection method: research. Allele origin: inherited. Inheritance: Autosomal recessive inheritance. Affected: yes. Observed: 26 variant alleles, 26 homozygotes.
Comment: The sequencing data were processed using an automated algorithm, including alignment of reads to the reference sequence of the human genome (hg19), post processing of alignment, identification of options and filtering of options by quality, as well as annotation of the identified options for all known transcripts of each gene from the RefSeq database using a number of methods predictions of pathogenicity of substitutions (SIFT, PolyPhen2-HDIV, PolyPhen2-HVAR, MutationTaster, LRT), as well as methods for calculating the evolutionary conservatism of positions (PhyloP, PhastCons). To assess the population frequencies of the identified variants, we used samples of the 1000 Genomes, ESP6500, and Exome Aggregation Consortium projects. To assess the clinical relevance of the identified options, the OMIM database, specialized databases for individual diseases (if any), and literature data were used. In conclusion, only options that are possibly related to the clinical manifestations of the patient are included. Polymorphisms classified according to various criteria as neutral are not included in the conclusion. This mutation leading to the formation of a premature stop codon p.Trp374 * (NP_001107558.1), which terminates the translation of the full-length protein CLIC5 (chloride intracellular channel 5 (CLIC5), transcript variant 1, mRNA). Since this nucleotide substitution leads to termination of translation of the full-length CLIC5 protein, it should be regarded as likely pathogenic.

NM_016929.5(CLIC5):c.644G>A (p.Trp215Ter)

Gene: CLIC5 (chloride intracellular channel 5; minus strand). Cytogenetic location: 6p21.1.
Variant type: single nucleotide variant.
Coding change: c.644G>A on transcript NM_016929.5 (MANE Select); coding-DNA position 644, G replaced by A.
Protein change: p.Trp215Ter; replaces tryptophan 215 with a stop codon.
Molecular consequence: nonsense. On other transcripts: non-coding transcript variant (2).
Genome position (GRCh38, 1-based): chr6:45,903,200, C>T on the plus strand (G>A on the coding strand, the complement: CLIC5 is on the minus strand). VCF-style: chr6-45903200-C-T. GRCh37 (hg19) VCF-style: chr6-45870937-C-T.
Other names: c.1121G>A, p.Trp374Ter (NM_001114086.2, NM_001370650.1); c.527G>A, p.Trp176Ter (NM_001370649.1); short protein forms W176*, W215*, W374*.
Identifiers: ClinVar variation 694310 (VCV000694310.3), dbSNP rs1043716893, ClinGen allele CA138527886.